The following is an entry in ClinVar:

NM_031471.6(FERMT3):c.56G>T (p.Arg19Leu)

Gene: FERMT3 (FERM domain containing kindlin 3; plus strand). Cytogenetic location: 11q13.1.
Variant type: single nucleotide variant.
Coding change: c.56G>T on transcript NM_031471.6 (MANE Select); coding-DNA position 56, G replaced by T.
Protein change: p.Arg19Leu; replaces arginine 19 with leucine.
Molecular consequence: missense variant.
Genome position (GRCh38, 1-based): chr11:64,207,420, G>T. VCF-style: chr11-64207420-G-T. GRCh37 (hg19) VCF-style: chr11-63974892-G-T.
Other names: c.56G>T, p.Arg19Leu (NM_001382361.1, NM_001382362.1, NM_001382448.1 and 1 more transcripts); short protein forms R19L.
Identifiers: ClinVar variation 1051610 (VCV001051610.9), dbSNP rs150500299, ClinGen allele CA381079502.

ClinVar aggregate classification (germline): Uncertain significance (1 of 4 stars; one submission).

Conditions:
Leukocyte adhesion deficiency 3. Also called: INTEGRIN ACTIVATION DEFICIENCY DISEASE; LEUKOCYTE ADHESION DEFICIENCY 1 VARIANT; Leukocyte adhesion deficiency, type III. Identifiers: Orphanet 2968, Orphanet 99844, MedGen C2748536, MONDO:0013016, OMIM 612840.

Submission:

Labcorp Genetics (formerly Invitae), Labcorp
Classification: Uncertain significance for Leukocyte adhesion deficiency 3. Last evaluated: 2020-07-26. Review status: criteria provided, single submitter. Criteria: Invitae Variant Classification Sherloc (09022015). Collection method: clinical testing. Allele origin: germline.
Comment: In summary, the available evidence is currently insufficient to determine the role of this variant in disease. Therefore, it has been classified as a Variant of Uncertain Significance. Algorithms developed to predict the effect of missense changes on protein structure and function (SIFT, PolyPhen-2, Align-GVGD) all suggest that this variant is likely to be tolerated, but these predictions have not been confirmed by published functional studies and their clinical significance is uncertain. This variant has not been reported in the literature in individuals with FERMT3-related conditions. This variant is not present in population databases (ExAC no frequency). This sequence change replaces arginine with leucine at codon 19 of the FERMT3 protein (p.Arg19Leu). The arginine residue is moderately conserved and there is a moderate physicochemical difference between arginine and leucine.